The following is an entry in ClinVar:

NM_005996.4(TBX3):c.1695C>T (p.His565=)

Gene: TBX3 (T-box transcription factor 3; minus strand). Cytogenetic location: 12q24.21.
Variant type: single nucleotide variant.
Coding change: c.1695C>T on transcript NM_005996.4 (MANE Select); coding-DNA position 1695, C replaced by T.
Protein change: p.His565=; no amino-acid change (histidine 565 retained).
Molecular consequence: synonymous variant.
Genome position (GRCh38, 1-based): chr12:114,674,180, G>A on the plus strand (C>T on the coding strand, the complement: TBX3 is on the minus strand). VCF-style: chr12-114674180-G-A. GRCh37 (hg19) VCF-style: chr12-115111985-G-A.
Other names: c.1755C>T (NM_016569.3); c.1755C>T, p.His585= (NM_016569.4).
Identifiers: ClinVar variation 1597843 (VCV001597843.9), dbSNP rs528110988, ClinGen allele CA244143218.

ClinVar aggregate classification (germline): Likely benign. Review status: criteria provided, single submitter (1 of 4 stars). 2 submissions from 2 submitters: Likely benign (1). 1 of the submissions does not count toward it. Last evaluated 2022-08-16.

Conditions:
TBX3-related disorder. Also called: TBX3-related condition.
Ulnar-mammary syndrome (UMS). Also called: PALLISTER ULNAR-MAMMARY SYNDROME; Ulnar-mammary syndrome of Pallister; SCHINZEL SYNDROME. Identifiers: Orphanet 3138, MedGen C1866994, MONDO:0008411, OMIM 181450.

Allele frequency attached by ClinVar (database versions not stated): gnomAD exomes below 0.00001; TOPMed below 0.00001; gnomAD 0.00001.

Submissions (2):

Labcorp Genetics (formerly Invitae), Labcorp
Classification: Likely benign for Ulnar-mammary syndrome. Last evaluated: 2022-08-16. Review status: criteria provided, single submitter. Criteria: Invitae Variant Classification Sherloc (09022015). Collection method: clinical testing. Allele origin: germline.

PreventionGenetics, part of Exact Sciences
Classification: Likely benign for TBX3-related condition. Last evaluated: 2022-01-29. Review status: no assertion criteria provided. Collection method: clinical testing. Allele origin: germline. Not counted in ClinVar's aggregate classification.
Comment: This variant is classified as likely benign based on ACMG/AMP sequence variant interpretation guidelines (Richards et al. 2015 PMID: 25741868, with internal and published modifications).